The following is an entry in ClinVar:

NM_004183.4(BEST1):c.388C>A (p.Arg130Ser)

Gene: BEST1 (bestrophin 1; plus strand). Cytogenetic location: 11q12.3.
Variant type: single nucleotide variant.
Coding change: c.388C>A on transcript NM_004183.4 (MANE Select); coding-DNA position 388, C replaced by A.
Protein change: p.Arg130Ser; replaces arginine 130 with serine.
Molecular consequence: missense variant. On other transcripts: non-coding transcript variant (1).
Genome position (GRCh38, 1-based): chr11:61,955,858, C>A. VCF-style: chr11-61955858-C-A. GRCh37 (hg19) VCF-style: chr11-61723330-C-A.
Other names: c.208C>A, p.Arg70Ser (NM_001139443.3, NM_001300786.2, NM_001300787.2); c.70C>A, p.Arg24Ser (NM_001363591.3); c.388C>A, p.Arg130Ser (NM_001363592.2); c.-788C>A (NM_001363593.3); short protein forms R24S, R130S, R70S.
Identifiers: ClinVar variation 962776 (VCV000962776.19), dbSNP rs750102662, ClinGen allele CA6040747.

ClinVar aggregate classification (germline): Pathogenic/Likely pathogenic. Review status: criteria provided, multiple submitters, no conflicts (2 of 4 stars). 5 submissions from 5 submitters: Pathogenic (3); Likely pathogenic (2). Last evaluated 2026-04-03.

Conditions:
Autosomal recessive bestrophinopathy. Also called: Autosomal Recessive Bestrophinopathy (ARB). Identifiers: Orphanet 139455, MedGen C3888198, MONDO:0012733, OMIM 611809.
BEST1-related disorder. Also called: BEST1-related disorders; BEST1-related condition. Identifiers: MedGen CN239200.

Allele frequency attached by ClinVar (database versions not stated): ExAC below 0.00001; gnomAD 0.00002 and 0.00003; gnomAD exomes 0.00002; TOPMed 0.00003.

Submissions (5):

PreventionGenetics, part of Exact Sciences
Classification: Pathogenic for BEST1-related condition. Last evaluated: 2026-04-03. Review status: criteria provided, single submitter. Criteria: ACMG Guidelines, 2015. Collection method: clinical testing. Allele origin: germline.
Comment: The BEST1 c.388C>A variant is predicted to result in the amino acid substitution p.Arg130Ser. This variant has been reported in the homozygous state or in the heterozygous state with a second BEST1 variant in several individuals with autosomal recessive bestrophinopathy (Meunier et al. 2011. PubMed ID: 21269699; Table 2, Del Pozo-Valero et al. 2022. PubMed ID: 35119454; Table S4: Patient RPN-363, Rodríguez-Muñoz et al. 2020. PubMed ID: 32036094; Supplementary Table, Zanolli et al. 2020. PubMed ID: 32141364; Piñeiro-Gallego T et al. 2011. PubMed ID: 21738390; ID167 Table 1A, Maggi et al. 2021. PubMed ID: 33546218). Additionally, a different substitution impacting the same amino acid (p.Arg130Leu) has also been reported in a family with autosomal recessive bestrophinopathy in the homozygous state (Family H, Tian et al. 2014. PubMed ID: 25489231). The c.388C>A (p.Arg130Ser) variant is reported in 0.012% of alleles in individuals of Latino descent in gnomAD. This variant is interpreted as pathogenic for autosomal recessive disease.

Labcorp Genetics (formerly Invitae), Labcorp
Classification: Pathogenic. Last evaluated: 2026-01-14. Review status: criteria provided, single submitter. Criteria: Invitae Variant Classification Sherloc (09022015). Collection method: clinical testing. Allele origin: germline.
Comment: This sequence change replaces arginine, which is basic and polar, with serine, which is neutral and polar, at codon 130 of the BEST1 protein (p.Arg130Ser). This variant is present in population databases (rs750102662, gnomAD 0.01%). This missense change has been observed in individuals with autosomal recessive bestrophinopathy (PMID: 21269699, 21738390, 32141364). It has also been observed to segregate with disease in related individuals. This variant has been reported in individual(s) with autosomal dominant Best disease (internal data); however, the role of the variant in this condition is currently unclear. ClinVar contains an entry for this variant (Variation ID: 962776). Invitae Evidence Modeling of protein sequence and biophysical properties (such as structural, functional, and spatial information, amino acid conservation, physicochemical variation, residue mobility, and thermodynamic stability) indicates that this missense variant is expected to disrupt BEST1 protein function with a positive predictive value of 95%. This variant disrupts the p.Arg130 amino acid residue in BEST1. Other variant(s) that disrupt this residue have been observed in individuals with BEST1-related conditions (PMID: 25489231), which suggests that this may be a clinically significant amino acid residue. For these reasons, this variant has been classified as Pathogenic.

CeGaT Center for Human Genetics Tuebingen
Classification: Pathogenic. Last evaluated: 2025-12-01. Review status: criteria provided, single submitter. Criteria: CeGaT Center For Human Genetics Tuebingen Variant Classification Criteria Version 2. Collection method: clinical testing. Allele origin: germline. Affected: yes. Observed: 1 variant allele.
Comment: BEST1: PM3:Very Strong, PM1, PM2, PM5

Blueprint Genetics
Classification: Likely pathogenic for BEST1-related disorders. Last evaluated: 2024-06-27. Review status: criteria provided, single submitter. Criteria: ACMG Guidelines, 2015. Collection method: clinical testing. Allele origin: germline. Affected: yes. Observed: 3 variant alleles.

Institute of Medical Molecular Genetics, University of Zurich
Classification: Likely pathogenic for Autosomal recessive bestrophinopathy. Last evaluated: 2021-01-30. Review status: criteria provided, single submitter. Criteria: ACMG Guidelines, 2015. Collection method: clinical testing. Allele origin: unknown. Affected: yes.

Literature cited by the submitters: PubMed 21269699 (cited by Labcorp Genetics (formerly Invitae), Labcorp); PubMed 21738390 (cited by Labcorp Genetics (formerly Invitae), Labcorp); PubMed 32141364 (cited by Labcorp Genetics (formerly Invitae), Labcorp); PubMed 25489231 (cited by Labcorp Genetics (formerly Invitae), Labcorp).